The following is an entry in ClinVar:

NM_004963.4(GUCY2C):c.1533+2T>C

Gene: GUCY2C (guanylate cyclase 2C; minus strand). Cytogenetic location: 12p12.3.
Variant type: single nucleotide variant.
Coding change: c.1533+2T>C on transcript NM_004963.4 (MANE Select); the canonical splice donor site of the intron after coding-DNA position 1533, T replaced by C.
Molecular consequence: splice donor variant.
Genome position (GRCh38, 1-based): chr12:14,652,950, A>G on the plus strand (T>C on the coding strand, the complement: GUCY2C is on the minus strand). VCF-style: chr12-14652950-A-G. GRCh37 (hg19) VCF-style: chr12-14805884-A-G.
Identifiers: ClinVar variation 1378443 (VCV001378443.8), dbSNP rs760112493, ClinGen allele CA6463387.

ClinVar aggregate classification (germline): Uncertain significance (1 of 4 stars; one submission).

Allele frequency attached by ClinVar (database versions not stated): gnomAD exomes below 0.00001 and 0.00002; ExAC 0.00002; gnomAD 0.00005 and 0.00009; TOPMed 0.00006.
gnomAD v4.1: 15 of 1,597,960 alleles (0.00094%); highest among the groups gnomAD compares: African/African-American, 0.019%; no homozygotes.

Submission:

Labcorp Genetics (formerly Invitae), Labcorp
Classification: Uncertain significance. Last evaluated: 2021-06-22. Review status: criteria provided, single submitter. Criteria: Invitae Variant Classification Sherloc (09022015). Collection method: clinical testing. Allele origin: germline.
Comment: This sequence change affects a donor splice site in intron 13 of the GUCY2C gene. It is expected to disrupt RNA splicing. Variants that disrupt the donor or acceptor splice site typically lead to a loss of protein function (PMID: 16199547), however the current clinical and genetic evidence is not sufficient to establish whether loss-of-function variants in GUCY2C cause disease. In summary, the available evidence is currently insufficient to determine the role of this variant in disease. Therefore, it has been classified as a Variant of Uncertain Significance. Algorithms developed to predict the effect of sequence changes on RNA splicing suggest that this variant may disrupt the consensus splice site, but this prediction has not been confirmed by published transcriptional studies. This variant has not been reported in the literature in individuals with GUCY2C-related conditions. This variant is present in population databases (rs760112493, ExAC 0.02%).

Literature cited by the submitters: PubMed 16199547.